The following is an entry in ClinVar:

ClinVar aggregate classification (germline): Benign (1 of 4 stars; one submission).

Conditions:
Familial adenomatous polyposis 1 (FAP1). Also called: FAMILIAL ADENOMATOUS POLYPOSIS 1, ATTENUATED; POLYPOSIS, ADENOMATOUS INTESTINAL. Identifiers: MedGen C2713442, MONDO:0021056, OMIM 175100. Disease mechanism: loss of function.

Submission:

Myriad Genetics, Inc.
Classification: Benign for Familial adenomatous polyposis 1. Last evaluated: 2024-04-12. Review status: criteria provided, single submitter. Criteria: Myriad Autosomal Dominant, Autosomal Recessive and X-Linked Classification Criteria (2023). Collection method: clinical testing. Allele origin: unknown.
Comment: This variant is considered benign. This variant is a silent/synonymous amino acid change and it is not expected to impact splicing.

NM_000038.6(APC):c.8037T>G (p.Thr2679=)

Gene: APC (APC regulator of Wnt signaling pathway; plus strand). Cytogenetic location: 5q22.2.
Variant type: single nucleotide variant.
Coding change: c.8037T>G on transcript NM_000038.6 (MANE Select); coding-DNA position 8037, T replaced by G.
Protein change: p.Thr2679=; no amino-acid change (threonine 2679 retained).
Molecular consequence: synonymous variant. On other transcripts: non-coding transcript variant (2).
Genome position (GRCh38, 1-based): chr5:112,843,631, T>G. VCF-style: chr5-112843631-T-G. GRCh37 (hg19) VCF-style: chr5-112179328-T-G.
Other names: c.8037T>G, p.Thr2679= (NM_001127510.3, NM_001354895.2, NM_001407450.1); c.7983T>G, p.Thr2661= (NM_001127511.3); c.8091T>G, p.Thr2697= (NM_001354896.2, NM_001407447.1, NM_001407448.1 and 1 more transcripts); c.8067T>G, p.Thr2689= (NM_001354897.2); c.7962T>G, p.Thr2654= (NM_001354898.2); c.7953T>G, p.Thr2651= (NM_001354899.2); c.7914T>G, p.Thr2638= (NM_001354900.2); c.7860T>G, p.Thr2620= (NM_001354901.2, NM_001407453.1); and 11 more.
Identifiers: ClinVar variation 3254124 (VCV003254124.1), dbSNP rs2149998232.